The following is an entry in ClinVar:

NM_006766.5(KAT6A):c.1372G>A (p.Asp458Asn)

Gene: KAT6A (lysine acetyltransferase 6A; minus strand). Cytogenetic location: 8p11.21.
Variant type: single nucleotide variant.
Coding change: c.1372G>A on transcript NM_006766.5 (MANE Select); coding-DNA position 1372, G replaced by A.
Protein change: p.Asp458Asn; replaces aspartic acid 458 with asparagine.
Molecular consequence: missense variant.
Genome position (GRCh38, 1-based): chr8:41,974,814, C>T on the plus strand (G>A on the coding strand, the complement: KAT6A is on the minus strand). VCF-style: chr8-41974814-C-T. GRCh37 (hg19) VCF-style: chr8-41832332-C-T.
Other names: c.1372G>A, p.Asp458Asn (NM_001305878.2); short protein forms D458N.
Identifiers: ClinVar variation 3336103 (VCV003336103.1).
Genomic context (GRCh38, chr8:41,974,814, plus strand): 5'-TCATGATTTCCTGGCTCCCAAAAAGTCGCTCCTCATTTTCTTGTTTGCCATCCCAGCCAT[C>T]CTGATTGTCTACATATAAAAAAAGAGCTCACATGTTAACTGTCCCCAGATTAATACATGA-3'
Protein context (NP_006757.2, residues 448-468): STSDWPTDNQ[Asp458Asn]GWDGKQENEE

ClinVar aggregate classification (germline): Uncertain significance (1 of 4 stars; one submission).

gnomAD v4.1: 6 of 1,606,520 alleles (0.00037%); highest among the groups gnomAD compares: East Asian, 0.0022%; no homozygotes.

Submission:

Women's Health and Genetics/Laboratory Corporation of America, LabCorp
Classification: Uncertain significance. Last evaluated: 2024-05-08. Review status: criteria provided, single submitter. Criteria: LabCorp Variant Classification Summary - May 2015. Collection method: clinical testing. Allele origin: germline.
Comment: Variant summary: KAT6A c.1372G>A (p.Asp458Asn) results in a conservative amino acid change in the encoded protein sequence. Three of five in-silico tools predict a benign effect of the variant on protein function. The variant allele was found at a frequency of 8e-06 in 248450 control chromosomes. The available data on variant occurrences in the general population are insufficient to allow any conclusion about variant significance. To our knowledge, no occurrence of c.1372G>A in individuals affected with Arboleda-Tham Syndrome and no experimental evidence demonstrating its impact on protein function have been reported. No submitters have cited clinical-significance assessments for this variant to ClinVar. Based on the evidence outlined above, the variant was classified as uncertain significance.